The following is an entry in ClinVar:

NM_001018005.2(TPM1):c.660A>G (p.Arg220=)

Gene: TPM1 (tropomyosin 1; plus strand). Cytogenetic location: 15q22.2.
Variant type: single nucleotide variant.
Coding change: c.660A>G on transcript NM_001018005.2 (MANE Select); coding-DNA position 660, A replaced by G.
Protein change: p.Arg220=; no amino-acid change (arginine 220 retained).
Molecular consequence: synonymous variant.
Genome position (GRCh38, 1-based): chr15:63,062,235, A>G. VCF-style: chr15-63062235-A-G. GRCh37 (hg19) VCF-style: chr15-63354434-A-G.
Other names: c.660A>G, p.Arg220= (NM_000366.6, NM_001018004.2, NM_001018006.2 and 6 more transcripts); c.552A>G, p.Arg184= (NM_001018008.2, NM_001301289.2, NM_001330344.2 and 5 more transcripts); c.786A>G, p.Arg262= (NM_001365778.1).
Identifiers: ClinVar variation 921255 (VCV000921255.3), dbSNP rs2035732196, ClinGen allele CA490693183.
Genomic context (GRCh38, chr15:63,062,235, plus strand): 5'-AGCTGCAGCCTGACATCTGGAATGCTCTTTCTAATTACAGTACTCGCAGAAGGAAGACAG[A>G]TATGAGGAAGAGATCAAGGTCCTTTCCGACAAGCTGAAGGAGGTAATATGAGAGTTGTGG-3'
Protein context (NP_001018005.1, residues 210-230): QAEKYSQKED[Arg220=]YEEEIKVLSD

ClinVar aggregate classification (germline): Likely benign. Review status: criteria provided, multiple submitters, no conflicts (2 of 4 stars). 2 submissions from 2 submitters: Likely benign (2). Last evaluated 2023-11-30.

Conditions:
Cardiomyopathy (CMYO). Also called: Cardiomyopathies. Identifiers: Orphanet 167848, MedGen C0878544, MONDO:0004994, HP:0001638. Inheritance: Various modes of inheritance.
Hypertrophic cardiomyopathy. Also called: HYPERTROPHIC MYOCARDIOPATHY. Identifiers: Orphanet 217569, MedGen C0007194, MeSH D002312, MONDO:0005045, HP:0001639.

Submissions (2):

All of Us Research Program, National Institutes of Health
Classification: Likely benign for Hypertrophic cardiomyopathy. Last evaluated: 2023-11-30. Review status: criteria provided, single submitter. Criteria: ACMG Guidelines, 2015. Collection method: clinical testing. Allele origin: germline. Inheritance: Autosomal dominant inheritance. Observed: 1 variant allele, 1 heterozygote.
Comment: This study involves interpretation of variants in research participants for the purpose of population health screening. Participant phenotype was not available at the time of variant classification. Additional details can be found in publication PMID: 35346344, PMCID: PMC8962531

Color Diagnostics, LLC DBA Color Health
Classification: Likely benign for Cardiomyopathy. Last evaluated: 2020-04-07. Review status: criteria provided, single submitter. Criteria: ACMG Guidelines, 2015. Collection method: clinical testing. Allele origin: germline.